The following is an entry in ClinVar:

NM_000282.4(PCCA):c.1714G>A (p.Val572Ile)

Gene: PCCA (propionyl-CoA carboxylase subunit alpha; plus strand). Cytogenetic location: 13q32.3.
Variant type: single nucleotide variant.
Coding change: c.1714G>A on transcript NM_000282.4 (MANE Select); coding-DNA position 1714, G replaced by A.
Protein change: p.Val572Ile; replaces valine 572 with isoleucine.
Molecular consequence: missense variant. On other transcripts: non-coding transcript variant (2).
Genome position (GRCh38, 1-based): chr13:100,368,542, G>A. VCF-style: chr13-100368542-G-A. GRCh37 (hg19) VCF-style: chr13-101020796-G-A.
Other names: c.1714G>A (NM_000282.3); c.1636G>A, p.Val546Ile (NM_001127692.3, NM_001352607.2); c.1714G>A, p.Val572Ile (NM_001178004.2, NM_001352605.2, NM_001352609.2); c.1570G>A, p.Val524Ile (NM_001352606.2); c.1492G>A, p.Val498Ile (NM_001352608.2); c.769G>A, p.Val257Ile (NM_001352610.2, NM_001352611.2); c.625G>A, p.Val209Ile (NM_001352612.2); short protein forms V524I, V572I, V209I, V498I, V546I, V257I.
Identifiers: ClinVar variation 2152975 (VCV002152975.2), dbSNP rs1265374507, ClinGen allele CA388698298.

ClinVar aggregate classification (germline): Uncertain significance. Review status: criteria provided, multiple submitters, no conflicts (2 of 4 stars). 2 submissions from 2 submitters: Uncertain significance (2). Last evaluated 2023-12-16.

Conditions:
Propionic acidemia (PROP). Also called: GLYCINEMIA, KETOTIC; HYPERGLYCINEMIA WITH KETOACIDOSIS AND LEUKOPENIA; KETOTIC HYPERGLYCINEMIA. Identifiers: Orphanet 35, MedGen C0268579, MONDO:0011628, OMIM 606054, HP:0003571.
Inborn genetic diseases. Identifiers: MedGen C0950123, MeSH D030342.

Allele frequency attached by ClinVar (database versions not stated): gnomAD exomes below 0.00001; gnomAD 0.00001.
gnomAD v4.1: 8 of 1,609,170 alleles (0.0005%); highest among the groups gnomAD compares: Admixed American, 0.0033%; no homozygotes.

Submissions (2):

Ambry Genetics
Classification: Uncertain significance for Inborn genetic diseases. Last evaluated: 2023-12-16. Review status: criteria provided, single submitter. Criteria: Ambry Variant Classification Scheme 2023. Collection method: clinical testing. Allele origin: germline.

Labcorp Genetics (formerly Invitae), Labcorp
Classification: Uncertain significance for Propionic acidemia. Last evaluated: 2022-04-08. Review status: criteria provided, single submitter. Criteria: Invitae Variant Classification Sherloc (09022015). Collection method: clinical testing. Allele origin: germline.
Comment: This sequence change replaces valine, which is neutral and non-polar, with isoleucine, which is neutral and non-polar, at codon 572 of the PCCA protein (p.Val572Ile). This variant is present in population databases (no rsID available, gnomAD 0.003%). This variant has not been reported in the literature in individuals affected with PCCA-related conditions. Advanced modeling of protein sequence and biophysical properties (such as structural, functional, and spatial information, amino acid conservation, physicochemical variation, residue mobility, and thermodynamic stability) performed at Invitae indicates that this missense variant is not expected to disrupt PCCA protein function. In summary, the available evidence is currently insufficient to determine the role of this variant in disease. Therefore, it has been classified as a Variant of Uncertain Significance.